The following is an entry in ClinVar:

NM_000083.3(CLCN1):c.2095_2118delinsTTCGCCTTTGTGGATGTGGCTGGGGAGGGGCTC (p.Gly699_Glu706delinsPheAlaPheValAspValAlaGlyGluGlyLeu)

Genes: CLCN1 (chloride voltage-gated channel 1; plus strand), LOC123956257 (Sharpr-MPRA regulatory region 4117; plus strand). Cytogenetic location: 7q34.
Variant type: Indel.
Coding change: c.2095_2118delinsTTCGCCTTTGTGGATGTGGCTGGGGAGGGGCTC on transcript NM_000083.3 (MANE Select); coding-DNA positions 2095 to 2118, the reference bases replaced by an inserted sequence.
Protein change: p.Gly699_Glu706delinsPheAlaPheValAspValAlaGlyGluGlyLeu.
Molecular consequence: inframe indel. On other transcripts: non-coding transcript variant (1).
Genome position (GRCh38, 1-based): chr7:143,345,685-143,345,708, 24 bases replaced. GRCh37 (hg19): chr7:143,042,778-143,042,801.
Identifiers: ClinVar variation 2442493 (VCV002442493.2), dbSNP rs2485435245, ClinGen allele CA2580077634.
Genomic context (GRCh38, chr7:143,345,685, plus strand): 5'-CGGAAGTTGTCGGAGCTGCCTTACGACGGGAAGGCGCGGCTGGCTGGGGAGGGGCTCCCC[GGCGCGCCTCCAGGCCGGCCCGAG>TTCGCCTTTGTGGATGTGGCTGGGGAGGGGCTC]TCCTTCGCCTTTGTGGATGAGGATGAGGACGAAGACCTCTCTGGCAAGAGCGAGGTGACC-3'

ClinVar aggregate classification (germline): Uncertain significance (1 of 4 stars; one submission).

Submission:

GeneDx
Classification: Uncertain significance. Last evaluated: 2026-01-28. Review status: criteria provided, single submitter. Criteria: GeneDx Variant Classification Process June 2021. Collection method: clinical testing. Allele origin: germline. Affected: yes.
Comment: Not observed at significant frequency in large population cohorts (gnomAD); In-frame deletion of 8 amino acid(s) and insertion of 11 different amino acid(s) in a non-repeat region; In silico analysis supports a deleterious effect on protein structure/function; Has not been previously published as pathogenic or benign to our knowledge